The following is an entry in ClinVar:

ClinVar aggregate classification (germline): Benign (0 of 4 stars; one submission).

Submission:

Biesecker Lab/Clinical Genomics Section, National Institutes of Health
Classification: Benign. Last evaluated: 2012-07-13. Review status: no assertion criteria provided. Collection method: research. Allele origin: germline. Affected: no. Observed: 60 variant alleles. Study: ClinSeq.
ClinVar note: Converted during submission from no known pathogenicity to Benign.

NM_003001.5(SDHC):c.341A>T (p.His114Leu)

Gene: SDHC (succinate dehydrogenase complex subunit C; plus strand). Cytogenetic location: 1q23.3.
Variant type: single nucleotide variant.
Coding change: c.341A>T on transcript NM_003001.5 (MANE Select); coding-DNA position 341, A replaced by T.
Protein change: p.His114Leu; replaces histidine 114 with leucine.
Molecular consequence: missense variant. On other transcripts: non-coding transcript variant (1), intron variant (3).
Genome position (GRCh38, 1-based): chr1:161,356,776, A>T. VCF-style: chr1-161356776-A-T. GRCh37 (hg19) VCF-style: chr1-161326566-A-T.
Other names: c.239A>T, p.His80Leu (NM_001035512.3); c.182A>T, p.His61Leu (NM_001035513.3); c.461A>T, p.His154Leu (NM_001407115.1); c.284A>T, p.His95Leu (NM_001407116.1); c.278A>T, p.His93Leu (NM_001407117.1); c.233A>T, p.His78Leu (NM_001407118.1); c.230A>T, p.His77Leu (NM_001407119.1, NM_001407120.1); c.242-5553A>T (NM_001035511.3); and 2 more; short protein forms H114L, H80L, H61L, H78L, H93L, H154L, H77L, H95L.
Identifiers: ClinVar variation 41774 (VCV000041774.3), dbSNP rs386833413, ClinGen allele CA011450.